The following is an entry in ClinVar:

ClinVar aggregate classification (germline): Likely benign (1 of 4 stars; one submission).

Conditions:
Neuroblastoma, susceptibility to, 3. Also called: ALK-Related Neuroblastic Tumor Susceptibility. Identifiers: Orphanet 635, MedGen C2751681, MONDO:0013083, OMIM 613014.

Allele frequency attached by ClinVar (database versions not stated): TOPMed 0.01254; 1000 Genomes Project 0.01458; 1000 Genomes Project 30x 0.01546.
gnomAD v4.1: 2,133 of 471,114 alleles (0.45%); highest among the groups gnomAD compares: African/African-American, 3.8%; 28 homozygotes.

Submission:

Illumina Laboratory Services, Illumina
Classification: Likely benign for Neuroblastoma, susceptibility to, 3. Last evaluated: 2017-04-27. Review status: criteria provided, single submitter. Criteria: ICSL Variant Classification Criteria 13 December 2019. Collection method: clinical testing. Allele origin: germline.
Comment: This variant was observed as part of a predisposition screen in an ostensibly healthy population. A literature search was performed for the gene, cDNA change, and amino acid change (where applicable). No publications were found based on this search. Allele frequency data from public databases allowed determination this variant is unlikely to cause disease. Therefore, this variant is classified as likely benign.

NM_004304.5(ALK):c.-313C>G

Gene: ALK (ALK receptor tyrosine kinase; minus strand). Cytogenetic location: 2p23.1.
Variant type: single nucleotide variant.
Coding change: c.-313C>G on transcript NM_004304.5 (MANE Select); 313 bases upstream of the start codon, C replaced by G.
Molecular consequence: 5 prime UTR variant.
Genome position (GRCh38, 1-based): chr2:29,920,972, G>C on the plus strand (C>G on the coding strand, the complement: ALK is on the minus strand). VCF-style: chr2-29920972-G-C. GRCh37 (hg19) VCF-style: chr2-30143838-G-C.
Identifiers: ClinVar variation 335726 (VCV000335726.5), dbSNP rs72857540, ClinGen allele CA10615024.